The following is an entry in ClinVar:

ClinVar aggregate classification (germline): Pathogenic (1 of 4 stars; one submission).

Conditions:
DICER1-related tumor predisposition. Also called: DICER1 syndrome; DICER1-related pleuropulmonary blastoma cancer predisposition syndrome. Identifiers: Orphanet 284343, MedGen C3839822, MONDO:0100216.

Submission:

Labcorp Genetics (formerly Invitae), Labcorp
Classification: Pathogenic for DICER1-related tumor predisposition. Last evaluated: 2021-08-17. Review status: criteria provided, single submitter. Criteria: Invitae Variant Classification Sherloc (09022015). Collection method: clinical testing. Allele origin: germline.
Comment: This sequence change creates a premature translational stop signal (p.Arg137Metfs*7) in the DICER1 gene. It is expected to result in an absent or disrupted protein product. Loss-of-function variants in DICER1 are known to be pathogenic (PMID: 19556464, 21266384). This variant is not present in population databases (ExAC no frequency). This variant has not been reported in the literature in individuals affected with DICER1-related conditions. For these reasons, this variant has been classified as Pathogenic.

Literature cited by the submitters: PubMed 19556464; PubMed 21266384.

NM_177438.3(DICER1):c.410_411del (p.Arg137fs)

Gene: DICER1 (dicer 1, ribonuclease III; minus strand). Cytogenetic location: 14q32.13.
Variant type: Microsatellite.
Coding change: c.410_411del on transcript NM_177438.3 (MANE Select); coding-DNA positions 410 to 411, 2 bases deleted (GA; older notation c.410_411delGA).
Protein change: p.Arg137fs; shifts the reading frame from arginine 137.
Molecular consequence: frameshift variant.
Genome position (GRCh38, 1-based): chr14:95,131,536-95,131,537, TC deleted on the plus strand (GA on the coding strand, the reverse complement: DICER1 is on the minus strand); deleting any 2 consecutive bases within chr14:95,131,536-95,131,542 gives the same sequence; the c. name uses the placement nearest the transcript's 3' end. VCF-style (leftmost placement, unchanged base first): chr14-95131535-ATC-A. GRCh37 (hg19) VCF-style: chr14-95597872-ATC-A.
Other names: c.410_411del, p.Arg137fs (NM_001195573.1, NM_001271282.3, NM_001291628.2 and 1 more transcripts); short protein forms R137fs.
Identifiers: ClinVar variation 1451342 (VCV001451342.7), dbSNP rs2140278766, ClinGen allele CA2580613744.